The following is an entry in ClinVar:

ClinVar aggregate classification (germline): Pathogenic/Likely pathogenic. Review status: criteria provided, multiple submitters, no conflicts (2 of 4 stars). 6 submissions from 5 submitters: Pathogenic (1); Likely pathogenic (3). 2 of the submissions do not count toward it. Last evaluated 2026-01-18.

Conditions:
Zellweger spectrum disorders (ZS). Also called: Zellweger syndrome; Zellweger Spectrum Disorder (ZSD); Zellweger Spectrum Disorder; Zellweger Spectrum. Identifiers: Orphanet 912, MedGen C0043459, MONDO:0019609.
Peroxisome biogenesis disorder 1B (PBD1B). Also called: PEROXISOME BIOGENESIS DISORDER (NEONATAL ADRENOLEUKODYSTROPHY/INFANTILE REFSUM DISEASE); INFANTILE PHYTANIC ACID STORAGE DISEASE; PEROXISOME BIOGENESIS DISORDER (NALD/IRD); ADRENOLEUKODYSTROPHY, AUTOSOMAL NEONATAL; Refsum disease, infantile form; Infantile Refsum disease. Identifiers: Orphanet 44, MedGen C0282527, MONDO:0011101, OMIM 601539.
Heimler syndrome 1 (HMLR1). Also called: PEROXISOME BIOGENESIS DISORDER 1C. Identifiers: Orphanet 3220, MedGen C4551980, OMIM 234580, MONDO:0024544.
Peroxisome biogenesis disorder 1A (Zellweger) (PBD1A). Also called: Zellweger leukodystrophy; Peroxisome biogenesis disorder 1a. Identifiers: MedGen C4721541, MONDO:0008953, OMIM 214100.
PEX1-related disorder. Also called: PEX1-related condition.

Allele frequency attached by ClinVar (database versions not stated): gnomAD exomes 0.00001.

Submissions (6):

Labcorp Genetics (formerly Invitae), Labcorp
Classification: Pathogenic for Zellweger spectrum disorders. Last evaluated: 2026-01-18. Review status: criteria provided, single submitter. Criteria: Invitae Variant Classification Sherloc (09022015). Collection method: clinical testing. Allele origin: germline.
Comment: This sequence change creates a premature translational stop signal (p.Thr954Tyrfs*9) in the PEX1 gene. It is expected to result in an absent or disrupted protein product. Loss-of-function variants in PEX1 are known to be pathogenic (PMID: 21031596, 26387595, 31831025). This variant is not present in population databases (gnomAD no frequency). This variant has not been reported in the literature in individuals affected with PEX1-related conditions. ClinVar contains an entry for this variant (Variation ID: 371706). For these reasons, this variant has been classified as Pathogenic.

Blueprint Genetics
Classification: Likely pathogenic for PEX1-related disorders. Last evaluated: 2023-06-26. Review status: criteria provided, single submitter. Criteria: ACMG Guidelines, 2015. Collection method: clinical testing. Allele origin: germline. Affected: yes. Observed: 5 variant alleles.

Baylor Genetics
Classification: Likely pathogenic for Heimler syndrome 1. Last evaluated: 2023-06-24. Review status: criteria provided, single submitter. Criteria: ACMG Guidelines, 2015. Collection method: clinical testing. Allele origin: unknown.

Fulgent Genetics
Classification: Likely pathogenic for Peroxisome biogenesis disorder 1A (Zellweger); Heimler syndrome 1; Peroxisome biogenesis disorder 1B. Last evaluated: 2021-10-21. Review status: criteria provided, single submitter. Criteria: ACMG Guidelines, 2015. Collection method: clinical testing. Allele origin: unknown.

Counsyl
Classification: Likely pathogenic for Peroxisome biogenesis disorder 1A (Zellweger). Last evaluated: 2016-02-12. Review status: no assertion criteria provided. Collection method: clinical testing. Allele origin: unknown. Not counted in ClinVar's aggregate classification.

Counsyl
Classification: Likely pathogenic for Peroxisome biogenesis disorder 1B. Last evaluated: 2016-02-12. Review status: no assertion criteria provided. Collection method: clinical testing. Allele origin: unknown. Not counted in ClinVar's aggregate classification.

Literature cited by the submitters: PubMed 21031596 (cited by Labcorp Genetics (formerly Invitae), Labcorp); PubMed 26387595 (cited by Labcorp Genetics (formerly Invitae), Labcorp); PubMed 31831025 (cited by Labcorp Genetics (formerly Invitae), Labcorp).

NM_000466.3(PEX1):c.2859dup (p.Thr954fs)

Genes: GATAD1 (GATA zinc finger domain containing 1; plus strand), PEX1 (peroxisomal biogenesis factor 1; minus strand). Cytogenetic location: 7q21.2.
Variant type: Duplication.
Coding change: c.2859dup on transcript NM_000466.3 (MANE Select); coding-DNA position 2859, one base duplicated (T; older notation c.2859dupT).
Protein change: p.Thr954fs; shifts the reading frame from threonine 954.
Molecular consequence: frameshift variant.
Genome position (GRCh38, 1-based): chr7:92,494,554, A duplicated on the plus strand (T on the coding strand, the reverse complement: PEX1 is on the minus strand). VCF-style (leftmost placement, unchanged base first): chr7-92494553-T-TA. GRCh37 (hg19) VCF-style: chr7-92123867-T-TA.
Other names: c.2688dup, p.Thr897fs (NM_001282677.2); c.2235dup, p.Thr746fs (NM_001282678.2); short protein forms T746fs, T897fs, T954fs.
Identifiers: ClinVar variation 371706 (VCV000371706.11), dbSNP rs1057517472, ClinGen allele CA16041149.